The following is an entry in ClinVar:

ClinVar aggregate classification (germline): Likely benign. Review status: criteria provided, multiple submitters, no conflicts (2 of 4 stars). 2 submissions from 2 submitters: Likely benign (2). Last evaluated 2025-10-23.

Allele frequency attached by ClinVar (database versions not stated): gnomAD exomes 0.00006; ExAC 0.00007; gnomAD 0.00007; TOPMed 0.00007.
gnomAD v4.1: 97 of 1,613,814 alleles (0.006%); highest among the groups gnomAD compares: East Asian, 0.018%; no homozygotes.

Submissions (2):

Labcorp Genetics (formerly Invitae), Labcorp
Classification: Likely benign. Last evaluated: 2025-10-23. Review status: criteria provided, single submitter. Criteria: Invitae Variant Classification Sherloc (09022015). Collection method: clinical testing. Allele origin: germline.

CeGaT Center for Human Genetics Tuebingen
Classification: Likely benign. Last evaluated: 2025-07-01. Review status: criteria provided, single submitter. Criteria: CeGaT Center For Human Genetics Tuebingen Variant Classification Criteria Version 2. Collection method: clinical testing. Allele origin: germline. Affected: yes. Observed: 1 variant allele.
Comment: ADCY5: BP4, BP7

NM_183357.3(ADCY5):c.3147C>T (p.Ala1049=)

Gene: ADCY5 (adenylate cyclase 5; minus strand). Cytogenetic location: 3q21.1.
Variant type: single nucleotide variant.
Coding change: c.3147C>T on transcript NM_183357.3 (MANE Select); coding-DNA position 3147, C replaced by T.
Protein change: p.Ala1049=; no amino-acid change (alanine 1049 retained).
Molecular consequence: synonymous variant.
Genome position (GRCh38, 1-based): chr3:123,291,293, G>A on the plus strand (C>T on the coding strand, the complement: ADCY5 is on the minus strand). VCF-style: chr3-123291293-G-A. GRCh37 (hg19) VCF-style: chr3-123010140-G-A.
Other names: c.2097C>T, p.Ala699= (NM_001199642.1); c.3222C>T, p.Ala1074= (NM_001378259.1).
Identifiers: ClinVar variation 2416481 (VCV002416481.15), dbSNP rs754369625, ClinGen allele CA2576843.
Genomic context (GRCh38, chr3:123,291,293, plus strand): 5'-ACACTCACAGGACTGATAGTAGAGCTCATCATTGCGCCGCTCGCGGGCCAGGAAGTGAGC[G>A]GCCACGTCCTTGGGCAGGATGTTGTGCAGCAGCCGCCGGTTGTAGGCCTGCAGCTCCTCC-3'
Protein context (NP_899200.1, residues 1039-1059): LLHNILPKDV[Ala1049=]AHFLARERRN